The following is an entry in ClinVar:

NM_006231.4(POLE):c.4534G>A (p.Val1512Ile)

Gene: POLE (DNA polymerase epsilon, catalytic subunit; minus strand). Cytogenetic location: 12q24.33.
Variant type: single nucleotide variant.
Coding change: c.4534G>A on transcript NM_006231.4 (MANE Select); coding-DNA position 4534, G replaced by A.
Protein change: p.Val1512Ile; replaces valine 1512 with isoleucine.
Molecular consequence: missense variant.
Genome position (GRCh38, 1-based): chr12:132,643,241, C>T on the plus strand (G>A on the coding strand, the complement: POLE is on the minus strand). VCF-style: chr12-132643241-C-T. GRCh37 (hg19) VCF-style: chr12-133219827-C-T.
Other names: short protein forms V1512I.
Identifiers: ClinVar variation 240526 (VCV000240526.23), dbSNP rs147354120, ClinGen allele CA6892814.

ClinVar aggregate classification (germline): Conflicting classifications of pathogenicity. Review status: criteria provided, conflicting classifications (1 of 4 stars). 7 submissions from 7 submitters: Uncertain significance (1); Benign (1); Likely benign (5). Last evaluated 2026-02-09.

Conditions:
Hereditary cancer-predisposing syndrome. Also called: Tumor predisposition; Hereditary neoplastic syndrome; Hereditary Cancer Syndrome; Neoplastic Syndromes, Hereditary. Identifiers: Orphanet 140162, MedGen C0027672, MeSH D009386, MONDO:0015356.

Allele frequency attached by ClinVar (database versions not stated): 1000 Genomes Project 0.00020; ExAC 0.00024; gnomAD exomes 0.00015 and 0.00007; 1000 Genomes Project 30x 0.00031; TOPMed 0.00048; ESP Exome Variant Server 0.00085; gnomAD 0.00045 and 0.00053.
gnomAD v4.1: 169 of 1,613,682 alleles (0.01%); highest among the groups gnomAD compares: African/African-American, 0.18%; no homozygotes.

Submissions (7):

Dasa
Classification: Likely benign. Last evaluated: 2026-02-09. Review status: criteria provided, single submitter. Criteria: DASA Assertion Criteria. Collection method: clinical testing. Allele origin: germline.
Comment: NM_006231.4(POLE):c.4534G>A (p.Val1512Ile) is a missense variant that results in the substitution of valine with isoleucine. Population frequency is inconsistent with a disease-causing role for this variant. Computational prediction algorithms are consistent with a benign effect. Therefore, based on the currently available evidence, this variant is classified as likely benign.

Labcorp Genetics (formerly Invitae), Labcorp
Classification: Likely benign. Last evaluated: 2026-01-14. Review status: criteria provided, single submitter. Criteria: Invitae Variant Classification Sherloc (09022015). Collection method: clinical testing. Allele origin: germline.

Ambry Genetics
Classification: Benign for Hereditary cancer-predisposing syndrome. Last evaluated: 2024-02-28. Review status: criteria provided, single submitter. Criteria: Ambry Variant Classification Scheme 2023. Collection method: clinical testing. Allele origin: germline.

Sema4
Classification: Likely benign for Hereditary cancer-predisposing syndrome. Last evaluated: 2021-03-20. Review status: criteria provided, single submitter. Criteria: Sema4 Curation Guidelines. Collection method: curation. Allele origin: germline.

GeneDx
Classification: Likely benign. Last evaluated: 2020-11-25. Review status: criteria provided, single submitter. Criteria: GeneDx Variant Classification Process June 2021. Collection method: clinical testing. Allele origin: germline. Affected: yes.
Comment: Has not been previously published as pathogenic or benign to our knowledge

PreventionGenetics, part of Exact Sciences
Classification: Likely benign. Last evaluated: 2017-03-20. Review status: criteria provided, single submitter. Criteria: ACMG Guidelines, 2015. Collection method: clinical testing. Allele origin: germline.

Quest Diagnostics Nichols Institute San Juan Capistrano
Classification: Uncertain significance. Last evaluated: 2017-03-02. Review status: criteria provided, single submitter. Criteria: Quest Diagnostics criteria. Collection method: clinical testing. Allele origin: germline.

Literature cited by the submitters: PubMed 32546565 (cited by Sema4); PubMed 32169874 (cited by Sema4).